The following is an entry in ClinVar:

NM_000179.3(MSH6):c.3771T>C (p.Ser1257=)

Gene: MSH6 (mutS homolog 6; plus strand). Cytogenetic location: 2p16.3.
Variant type: single nucleotide variant.
Coding change: c.3771T>C on transcript NM_000179.3 (MANE Select); coding-DNA position 3771, T replaced by C.
Protein change: p.Ser1257=; no amino-acid change (serine 1257 retained).
Molecular consequence: synonymous variant. On other transcripts: non-coding transcript variant (5).
Genome position (GRCh38, 1-based): chr2:47,806,328, T>C. VCF-style: chr2-47806328-T-C. GRCh37 (hg19) VCF-style: chr2-48033467-T-C.
Other names: c.3381T>C, p.Ser1127= (NM_001281492.2); c.2865T>C, p.Ser955= (NM_001281493.2, NM_001281494.2, NM_001406811.1 and 6 more transcripts); c.3867T>C, p.Ser1289= (NM_001406795.1, NM_001406802.1); c.3771T>C, p.Ser1257= (NM_001406796.1, NM_001406800.1, NM_001406808.1 and 1 more transcripts); c.3474T>C, p.Ser1158= (NM_001406797.1, NM_001406801.1, NM_001406805.1 and 10 more transcripts); c.3597T>C, p.Ser1199= (NM_001406798.1); c.3246T>C, p.Ser1082= (NM_001406799.1, NM_001406806.1, NM_001406807.1); c.2907T>C, p.Ser969= (NM_001406803.1); and 7 more.
Identifiers: ClinVar variation 2743985 (VCV002743985.5), dbSNP rs2104545282, ClinGen allele CA346761129.

ClinVar aggregate classification (germline): Benign/Likely benign. Review status: criteria provided, multiple submitters, no conflicts (2 of 4 stars). 3 submissions from 3 submitters: Benign (1); Likely benign (2). Last evaluated 2025-02-23.

Conditions:
Lynch syndrome 5 (LYNCH5). Also called: Colorectal cancer, hereditary nonpolyposis, type 5; Hereditary non-polyposis colorectal cancer, type 5. Identifiers: Orphanet 144, MedGen C1833477, MONDO:0013710, OMIM 614350. Disease mechanism: loss of function.
Hereditary nonpolyposis colorectal neoplasms. Identifiers: MedGen C0009405, MeSH D003123.
Hereditary cancer-predisposing syndrome. Also called: Hereditary Cancer Syndrome; Neoplastic Syndromes, Hereditary; Tumor predisposition; Hereditary neoplastic syndrome. Identifiers: Orphanet 140162, MedGen C0027672, MeSH D009386, MONDO:0015356.

Submissions (3):

Ambry Genetics
Classification: Likely benign for Hereditary cancer-predisposing syndrome. Last evaluated: 2025-02-23. Review status: criteria provided, single submitter. Criteria: Ambry Variant Classification Scheme 2023. Collection method: clinical testing. Allele origin: germline.

Myriad Genetics, Inc.
Classification: Benign for Lynch syndrome 5. Last evaluated: 2025-01-08. Review status: criteria provided, single submitter. Criteria: Myriad Autosomal Dominant, Autosomal Recessive and X-Linked Classification Criteria (2023). Collection method: clinical testing. Allele origin: unknown.
Comment: This variant is considered benign. This variant is a silent/synonymous amino acid change and it is not expected to impact splicing.

Labcorp Genetics (formerly Invitae), Labcorp
Classification: Likely benign for Hereditary nonpolyposis colorectal neoplasms. Last evaluated: 2024-04-18. Review status: criteria provided, single submitter. Criteria: Invitae Variant Classification Sherloc (09022015). Collection method: clinical testing. Allele origin: germline.